The following is an entry in ClinVar:

NM_001034850.3(RETREG1):c.649G>C (p.Val217Leu)

Gene: RETREG1 (reticulophagy regulator 1; minus strand). Cytogenetic location: 5p15.1.
Variant type: single nucleotide variant.
Coding change: c.649G>C on transcript NM_001034850.3 (MANE Select); coding-DNA position 649, G replaced by C.
Protein change: p.Val217Leu; replaces valine 217 with leucine.
Molecular consequence: missense variant.
Genome position (GRCh38, 1-based): chr5:16,481,030, C>G on the plus strand (G>C on the coding strand, the complement: RETREG1 is on the minus strand). VCF-style: chr5-16481030-C-G. GRCh37 (hg19) VCF-style: chr5-16481139-C-G.
Other names: c.226G>C, p.Val76Leu (NM_019000.5); short protein forms V76L, V217L.
Identifiers: ClinVar variation 2023882 (VCV002023882.4), dbSNP rs866566794, ClinGen allele CA359258933.
Genomic context (GRCh38, chr5:16,481,030, plus strand): 5'-TGCATCACAACACTTAGCCATATGTTCTACTATACTTACACAGTAGATAGCTGAGTATAA[C>G]CCCAGGAATGTAACTTCCCAAGATCGTAAAAAATGTGCACACACTACAGACCAGGAGACA-3'
Protein context (NP_001030022.1, residues 207-227): FTILGSYIPG[Val217Leu]ILSYLLLLCA

ClinVar aggregate classification (germline): Uncertain significance (1 of 4 stars; one submission).

Submission:

Labcorp Genetics (formerly Invitae), Labcorp
Classification: Uncertain significance. Last evaluated: 2022-08-12. Review status: criteria provided, single submitter. Criteria: Invitae Variant Classification Sherloc (09022015). Collection method: clinical testing. Allele origin: germline.
Comment: Algorithms developed to predict the effect of missense changes on protein structure and function are either unavailable or do not agree on the potential impact of this missense change (SIFT: "Deleterious"; PolyPhen-2: "Possibly Damaging"; Align-GVGD: "Class C0"). This variant has not been reported in the literature in individuals affected with RETREG1-related conditions. This variant is not present in population databases (gnomAD no frequency). This sequence change replaces valine, which is neutral and non-polar, with leucine, which is neutral and non-polar, at codon 217 of the RETREG1 protein (p.Val217Leu). In summary, the available evidence is currently insufficient to determine the role of this variant in disease. Therefore, it has been classified as a Variant of Uncertain Significance.